The following is an entry in ClinVar:

ClinVar aggregate classification (germline): Uncertain significance. Review status: criteria provided, multiple submitters, no conflicts (2 of 4 stars). 2 submissions from 2 submitters: Uncertain significance (2). Last evaluated 2025-02-27.

Conditions:
Inborn genetic diseases. Identifiers: MedGen C0950123, MeSH D030342.

Allele frequency attached by ClinVar (database versions not stated): ExAC 0.00001; gnomAD exomes 0.00001.
gnomAD v4.1: 5 of 1,611,750 alleles (0.00031%); highest among the groups gnomAD compares: Admixed American, 0.0084%; no homozygotes.

Submissions (2):

Labcorp Genetics (formerly Invitae), Labcorp
Classification: Uncertain significance. Last evaluated: 2025-02-27. Review status: criteria provided, single submitter. Criteria: Invitae Variant Classification Sherloc (09022015). Collection method: clinical testing. Allele origin: germline.
Comment: This sequence change replaces aspartic acid, which is acidic and polar, with glutamic acid, which is acidic and polar, at codon 787 of the DNA2 protein (p.Asp787Glu). This variant is present in population databases (rs770111693, gnomAD 0.01%). This variant has not been reported in the literature in individuals affected with DNA2-related conditions. ClinVar contains an entry for this variant (Variation ID: 2081641). Invitae Evidence Modeling of protein sequence and biophysical properties (such as structural, functional, and spatial information, amino acid conservation, physicochemical variation, residue mobility, and thermodynamic stability) indicates that this missense variant is expected to disrupt DNA2 protein function with a positive predictive value of 80%. In summary, the available evidence is currently insufficient to determine the role of this variant in disease. Therefore, it has been classified as a Variant of Uncertain Significance.

Ambry Genetics
Classification: Uncertain significance for Inborn genetic diseases. Last evaluated: 2021-11-09. Review status: criteria provided, single submitter. Criteria: Ambry Variant Classification Scheme 2023. Collection method: clinical testing. Allele origin: germline.

NM_001080449.3(DNA2):c.2361C>A (p.Asp787Glu)

Gene: DNA2 (DNA replication helicase/nuclease 2; minus strand). Cytogenetic location: 10q21.3.
Variant type: single nucleotide variant.
Coding change: c.2361C>A on transcript NM_001080449.3 (MANE Select); coding-DNA position 2361, C replaced by A.
Protein change: p.Asp787Glu; replaces aspartic acid 787 with glutamic acid.
Molecular consequence: missense variant. On other transcripts: non-coding transcript variant (1).
Genome position (GRCh38, 1-based): chr10:68,422,738, G>T on the plus strand (C>A on the coding strand, the complement: DNA2 is on the minus strand). VCF-style: chr10-68422738-G-T. GRCh37 (hg19) VCF-style: chr10-70182495-G-T.
Other names: short protein forms D787E.
Identifiers: ClinVar variation 2081641 (VCV002081641.5), dbSNP rs770111693, ClinGen allele CA5524842.